The following is an entry in ClinVar:

NM_182961.4(SYNE1):c.11729G>A (p.Gly3910Glu)

Gene: SYNE1 (spectrin repeat containing nuclear envelope protein 1; minus strand). Cytogenetic location: 6q25.2.
Variant type: single nucleotide variant.
Coding change: c.11729G>A on transcript NM_182961.4 (MANE Select); coding-DNA position 11729, G replaced by A.
Protein change: p.Gly3910Glu; replaces glycine 3910 with glutamic acid.
Molecular consequence: missense variant.
Genome position (GRCh38, 1-based): chr6:152,350,622, C>T on the plus strand (G>A on the coding strand, the complement: SYNE1 is on the minus strand). VCF-style: chr6-152350622-C-T. GRCh37 (hg19) VCF-style: chr6-152671757-C-T.
Other names: c.11684G>A, p.Gly3895Glu (NM_033071.5); short protein forms G3910E, G3895E.
Identifiers: ClinVar variation 1385486 (VCV001385486.19), dbSNP rs373095359, ClinGen allele CA4056614.

ClinVar aggregate classification (germline): Conflicting classifications of pathogenicity. Review status: criteria provided, conflicting classifications (1 of 4 stars). 2 submissions from 2 submitters: Uncertain significance (1); Likely benign (1). Last evaluated 2024-12-01.

Conditions:
Emery-Dreifuss muscular dystrophy 4, autosomal dominant (EDMD4). Also called: EMERY-DREIFUSS MUSCULAR DYSTROPHY 4 WITH VARIABLE FEATURES. Identifiers: Orphanet 261, MedGen C2751807, MONDO:0013071, OMIM 612998.
Autosomal recessive ataxia, Beauce type. Also called: SYNE1-Related Autosomal Recessive Cerebellar Ataxia; ATAXIA, RECESSIVE, OF BEAUCE; SYNE1 Deficiency; Spinocerebellar ataxia, autosomal recessive 8. Identifiers: Orphanet 88644, MedGen C1853116, MONDO:0012549, OMIM 610743.

Allele frequency attached by ClinVar (database versions not stated): gnomAD 0.00001; gnomAD exomes 0.00001; TOPMed 0.00001; ExAC 0.00002; ESP Exome Variant Server 0.00008.
gnomAD v4.1: 14 of 1,614,008 alleles (0.00087%); highest among the groups gnomAD compares: South Asian, 0.0077%; no homozygotes.

Submissions (2):

CeGaT Center for Human Genetics Tuebingen
Classification: Likely benign. Last evaluated: 2024-12-01. Review status: criteria provided, single submitter. Criteria: CeGaT Center For Human Genetics Tuebingen Variant Classification Criteria Version 2. Collection method: clinical testing. Allele origin: germline. Affected: yes. Observed: 1 variant allele.
Comment: SYNE1: PM2, BP4, BS2

Labcorp Genetics (formerly Invitae), Labcorp
Classification: Uncertain significance for Emery-Dreifuss muscular dystrophy 4, autosomal dominant; Autosomal recessive ataxia, Beauce type. Last evaluated: 2021-08-31. Review status: criteria provided, single submitter. Criteria: Invitae Variant Classification Sherloc (09022015). Collection method: clinical testing. Allele origin: germline.
Comment: This sequence change replaces glycine with glutamic acid at codon 3895 of the SYNE1 protein (p.Gly3895Glu). The glycine residue is moderately conserved and there is a moderate physicochemical difference between glycine and glutamic acid. This variant is present in population databases (rs373095359, ExAC 0.01%). This variant has not been reported in the literature in individuals affected with SYNE1-related conditions. Algorithms developed to predict the effect of missense changes on protein structure and function are either unavailable or do not agree on the potential impact of this missense change (SIFT: "Deleterious"; PolyPhen-2: "Benign"; Align-GVGD: "Class C15"). In summary, the available evidence is currently insufficient to determine the role of this variant in disease. Therefore, it has been classified as a Variant of Uncertain Significance.